The following is an entry in ClinVar:

ClinVar aggregate classification (germline): Uncertain significance (1 of 4 stars; one submission).

Allele frequency attached by ClinVar (database versions not stated): gnomAD exomes 0.00001.
gnomAD v4.1: 9 of 1,614,102 alleles (0.00056%); highest among the groups gnomAD compares: Non-Finnish European, 0.00076%; no homozygotes.

Submission:

Labcorp Genetics (formerly Invitae), Labcorp
Classification: Uncertain significance. Last evaluated: 2023-04-03. Review status: criteria provided, single submitter. Criteria: Invitae Variant Classification Sherloc (09022015). Collection method: clinical testing. Allele origin: germline.
Comment: In summary, the available evidence is currently insufficient to determine the role of this variant in disease. Therefore, it has been classified as a Variant of Uncertain Significance. Advanced modeling of protein sequence and biophysical properties (such as structural, functional, and spatial information, amino acid conservation, physicochemical variation, residue mobility, and thermodynamic stability) performed at Invitae indicates that this missense variant is not expected to disrupt FBLN5 protein function. This variant has not been reported in the literature in individuals affected with FBLN5-related conditions. This variant is not present in population databases (gnomAD no frequency). This sequence change replaces methionine, which is neutral and non-polar, with valine, which is neutral and non-polar, at codon 353 of the FBLN5 protein (p.Met353Val).

NM_006329.4(FBLN5):c.1057A>G (p.Met353Val)

Gene: FBLN5 (fibulin 5; minus strand). Cytogenetic location: 14q32.12.
Variant type: single nucleotide variant.
Coding change: c.1057A>G on transcript NM_006329.4 (MANE Select); coding-DNA position 1057, A replaced by G.
Protein change: p.Met353Val; replaces methionine 353 with valine.
Molecular consequence: missense variant.
Genome position (GRCh38, 1-based): chr14:91,877,615, T>C on the plus strand (A>G on the coding strand, the complement: FBLN5 is on the minus strand). VCF-style: chr14-91877615-T-C. GRCh37 (hg19) VCF-style: chr14-92343959-T-C.
Other names: c.1180A>G, p.Met394Val (NM_001384158.1); c.1108A>G, p.Met370Val (NM_001384159.1); c.1057A>G, p.Met353Val (NM_001384160.1); c.889A>G, p.Met297Val (NM_001384161.1, NM_001384162.1); short protein forms M394V, M297V, M353V, M370V.
Identifiers: ClinVar variation 2797677 (VCV002797677.3), dbSNP rs2542752155, ClinGen allele CA390640872.